The following is an entry in ClinVar:

ClinVar aggregate classification (germline): Uncertain significance (1 of 4 stars; one submission).

Conditions:
Bardet-Biedl syndrome (BBS). Identifiers: Orphanet 110, MedGen C0752166, MONDO:0015229.

Submission:

Labcorp Genetics (formerly Invitae), Labcorp
Classification: Uncertain significance for Bardet-Biedl syndrome. Last evaluated: 2021-08-05. Review status: criteria provided, single submitter. Criteria: Invitae Variant Classification Sherloc (09022015). Collection method: clinical testing. Allele origin: germline.
Comment: In summary, the available evidence is currently insufficient to determine the role of this variant in disease. Therefore, it has been classified as a Variant of Uncertain Significance. This variant has not been reported in the literature in individuals with BBS1-related conditions. This variant results in a copy number gain of the genomic region encompassing exon(s) 1-3 of the BBS1 gene. This region includes the initiator codon of the gene. The 5' end of this event is unknown as it extends beyond the assayed region for this gene and therefore may encompass additional genes. The 3' boundary is likely confined to intron 3 of the BBS1 gene. As the precise location of this event is unknown, it may be in tandem or it may be located elsewhere in the genome.

NC_000011.9:g.(?_66278131)_(66278730_?)dup

Gene: BBS1 (Bardet-Biedl syndrome 1; plus strand). Cytogenetic location: 11q13.2.
Variant type: Duplication.
Identifiers: ClinVar variation 1441400 (VCV001441400.4).